The following is an entry in ClinVar:

NM_000094.4(COL7A1):c.2242G>A (p.Glu748Lys)

Gene: COL7A1 (collagen type VII alpha 1 chain; minus strand). Cytogenetic location: 3p21.31.
Variant type: single nucleotide variant.
Coding change: c.2242G>A on transcript NM_000094.4 (MANE Select); coding-DNA position 2242, G replaced by A.
Protein change: p.Glu748Lys; replaces glutamic acid 748 with lysine.
Molecular consequence: missense variant.
Genome position (GRCh38, 1-based): chr3:48,589,399, C>T on the plus strand (G>A on the coding strand, the complement: COL7A1 is on the minus strand). VCF-style: chr3-48589399-C-T. GRCh37 (hg19) VCF-style: chr3-48626832-C-T.
Other names: short protein forms E748K.
Identifiers: ClinVar variation 255104 (VCV000255104.16), dbSNP rs148411473, ClinGen allele CA2380960.

ClinVar aggregate classification (germline): Benign/Likely benign. Review status: criteria provided, multiple submitters, no conflicts (2 of 4 stars). 4 submissions from 4 submitters: Benign (2); Likely benign (2). Last evaluated 2026-01-26.

Conditions:
Epidermolysis bullosa dystrophica. Also called: Dystrophic epidermolysis bullosa, Hallopeau-Siemens type (formerly); Dystrophic epidermolysis bullosa. Identifiers: Orphanet 303, MedGen C0079294, MONDO:0006543.

Allele frequency attached by ClinVar (database versions not stated): ESP Exome Variant Server 0.00092; gnomAD 0.00095 and 0.00151; TOPMed 0.00108; gnomAD exomes 0.00179 and 0.00319; ExAC 0.00332; 1000 Genomes Project 30x 0.00375; 1000 Genomes Project 0.00379.
gnomAD v4.1: 2,897 of 1,613,730 alleles (0.18%); highest among the groups gnomAD compares: South Asian, 1.8%; 44 homozygotes.

Submissions (4):

Labcorp Genetics (formerly Invitae), Labcorp
Classification: Benign. Last evaluated: 2026-01-26. Review status: criteria provided, single submitter. Criteria: Invitae Variant Classification Sherloc (09022015). Collection method: clinical testing. Allele origin: germline.

Illumina Laboratory Services, Illumina
Classification: Benign for Dystrophic epidermolysis bullosa. Last evaluated: 2018-01-12. Review status: criteria provided, single submitter. Criteria: ICSL Variant Classification Criteria 13 December 2019. Collection method: clinical testing. Allele origin: germline.
Comment: This variant was observed in the ICSL laboratory as part of a predisposition screen in an ostensibly healthy population. It had not been previously curated by ICSL or reported in the Human Gene Mutation Database (HGMD: prior to June 1st, 2018), and was therefore a candidate for classification through an automated scoring system. Utilizing variant allele frequency, disease prevalence and penetrance estimates, and inheritance mode, an automated score was calculated to assess if this variant is too frequent to cause the disease. Based on the score and internal cut-off values, a variant classified as benign is not then subjected to further curation. The score for this variant resulted in a classification of benign for this disease.

Breakthrough Genomics
Classification: Likely benign. Review status: criteria provided, single submitter. Criteria: ACMG Guidelines, 2015. Collection method: not provided. Allele origin: germline. Inheritance: Autosomal recessive inheritance. Affected: yes.

PreventionGenetics, part of Exact Sciences
Classification: Likely benign. Review status: criteria provided, single submitter. Criteria: ACMG Guidelines, 2015. Collection method: clinical testing. Allele origin: germline.